The following is an entry in ClinVar:

NM_138694.4(PKHD1):c.7994T>C (p.Leu2665Pro)

Gene: PKHD1 (PKHD1 ciliary IPT domain containing fibrocystin/polyductin; minus strand). Cytogenetic location: 6p12.2.
Variant type: single nucleotide variant.
Coding change: c.7994T>C on transcript NM_138694.4 (MANE Select); coding-DNA position 7994, T replaced by C.
Protein change: p.Leu2665Pro; replaces leucine 2665 with proline.
Molecular consequence: missense variant.
Genome position (GRCh38, 1-based): chr6:51,847,888, A>G on the plus strand (T>C on the coding strand, the complement: PKHD1 is on the minus strand). VCF-style: chr6-51847888-A-G. GRCh37 (hg19) VCF-style: chr6-51712686-A-G.
Other names: c.7994T>C, p.Leu2665Pro (NM_170724.3); c.7994T>C (NM_138694.3); short protein forms L2665P.
Identifiers: ClinVar variation 2152014 (VCV002152014.14), dbSNP rs1314759488, ClinGen allele CA364429237.

ClinVar aggregate classification (germline): Conflicting classifications of pathogenicity. Review status: criteria provided, conflicting classifications (1 of 4 stars). 6 submissions from 6 submitters: Pathogenic (2); Likely pathogenic (2); Uncertain significance (1). 1 of the submissions does not count toward it. Last evaluated 2025-07-08.

Conditions:
Polycystic kidney disease 4 (PKD4). Also called: POLYCYSTIC KIDNEY DISEASE 4 WITH OR WITHOUT POLYCYSTIC LIVER DISEASE; Autosomal Recessive Polycystic Kidney Disease – PKHD1; POLYCYSTIC KIDNEY AND HEPATIC DISEASE 1; POLYCYSTIC KIDNEY DISEASE, INFANTILE, TYPE I; PKD3. Identifiers: MedGen C4540575, MONDO:0033004, OMIM 263200.
PKHD1-related disorder. Also called: PKHD1-related condition.
Autosomal recessive polycystic kidney disease (ARPKD). Also called: AR polycystic kidney disease. Identifiers: Orphanet 731, Orphanet 8378, MedGen C0085548, MeSH D017044, MONDO:0009889.

Allele frequency attached by ClinVar (database versions not stated): TOPMed below 0.00001.
gnomAD v4.1: 3 of 1,613,812 alleles (0.00019%); highest among the groups gnomAD compares: East Asian, 0.0067%; no homozygotes.

Submissions (6):

Myriad Genetics, Inc.
Classification: Likely pathogenic for Polycystic kidney disease 4. Last evaluated: 2025-07-08. Review status: criteria provided, single submitter. Criteria: Myriad Autosomal Dominant, Autosomal Recessive and X-Linked Classification Criteria (2023). Collection method: clinical testing. Allele origin: unknown.
Comment: NM_138694.3(PKHD1):c.7994T>C(L2665P) is a missense variant classified as likely pathogenic in the context of autosomal recessive polycystic kidney disease, PKHD1-related. L2665P has been observed in cases with relevant disease (PMID: 30507656, 33800913, 36685964, 28851938, 35405383, 34487536). Relevant functional assessments of this variant are not available in the literature. L2665P has not been observed in referenced population frequency databases. In summary, NM_138694.3(PKHD1):c.7994T>C(L2665P) is a missense variant that has been observed more frequently in cases with the relevant disease than in healthy populations. Please note: this variant was assessed in the context of healthy population screening.

Natera, Inc.
Classification: Pathogenic for Autosomal recessive polycystic kidney disease. Last evaluated: 2025-02-04. Review status: criteria provided, single submitter. Criteria: Natera Variant Classification Schema (03/2026). Collection method: clinical testing. Allele origin: germline.
Comment: The c.7994T>C variant in PKHD1 is a missense variant predicted to cause substitution of leucine to proline at amino acid 2665. This variant is rare in the general population with a frequency below the threshold expected for the associated phenotype(s). This variant has been observed in one or more individuals affected with the associated recessive disease, as either homozygous or compound heterozygous with a second variant (PMID: 30507656, 35405383, 33800913, 28851938, 34487536, 37875772, 36685964). This variant has been observed to segregate in affected family members (PMID: 30507656). Given the available evidence, this variant is classified as Pathogenic.

Precision Medicine Center, Zhengzhou University
Classification: Uncertain significance for Polycystic kidney disease 4. Last evaluated: 2023-12-01. Review status: criteria provided, single submitter. Criteria: ACMG Guidelines, 2015. Collection method: clinical testing. Allele origin: maternal. Affected: yes.
Comment: PM2_p

Labcorp Genetics (formerly Invitae), Labcorp
Classification: Pathogenic for Autosomal recessive polycystic kidney disease. Last evaluated: 2023-01-24. Review status: criteria provided, single submitter. Criteria: Invitae Variant Classification Sherloc (09022015). Collection method: clinical testing. Allele origin: germline.
Comment: This sequence change replaces leucine, which is neutral and non-polar, with proline, which is neutral and non-polar, at codon 2665 of the PKHD1 protein (p.Leu2665Pro). This variant is not present in population databases (gnomAD no frequency). This missense change has been observed in individual(s) with clinical features of polycystic kidney disease (PMID: 28851938, 30507656, 31328266, 34487536). In at least one individual the data is consistent with being in trans (on the opposite chromosome) from a pathogenic variant. It has also been observed to segregate with disease in related individuals. Advanced modeling of protein sequence and biophysical properties (such as structural, functional, and spatial information, amino acid conservation, physicochemical variation, residue mobility, and thermodynamic stability) has been performed at Invitae for this missense variant, however the output from this modeling did not meet the statistical confidence thresholds required to predict the impact of this variant on PKHD1 protein function. For these reasons, this variant has been classified as Pathogenic.

Juno Genomics, Hangzhou Juno Genomics, Inc
Classification: Likely pathogenic for Polycystic kidney disease 4. Review status: criteria provided, single submitter. Criteria: ACMG Guidelines, 2015. Collection method: clinical testing. Allele origin: germline.
Comment: Absent from controls (or at extremely low frequency if recessive) in Genome Aggregation Database.;Multiple lines of computational evidence support a deleterious effect on the gene or gene product.;For recessive disorders, detected in trans with a pathogenic variant.

PreventionGenetics, part of Exact Sciences
Classification: Pathogenic for PKHD1-related condition. Last evaluated: 2024-05-15. Review status: no assertion criteria provided. Collection method: clinical testing. Allele origin: germline. Not counted in ClinVar's aggregate classification.
Comment: The PKHD1 c.7994T>C variant is predicted to result in the amino acid substitution p.Leu2665Pro. This variant has been reported in the homozygous and compound heterozygous state in individuals with polycystic kidney disease (Table S3, Cho et al. 2017. PubMed ID: 28851938; Yang et al. 2019. PubMed ID: 30507656; Table S3, Rao et al. 2019. PubMed ID: 31328266; Sun et al. 2022. PubMed ID: 35405383). This variant has not been reported in a large population database, indicating this variant is rare. This variant is interpreted as pathogenic.

Literature cited by the submitters: PubMed 28851938 (cited by 3 submitters); PubMed 30507656 (cited by 3 submitters); PubMed 33800913 (cited by Myriad Genetics, Inc. and Natera, Inc.); PubMed 34487536 (cited by 3 submitters); PubMed 35405383 (cited by Myriad Genetics, Inc. and Natera, Inc.); PubMed 36685964 (cited by Myriad Genetics, Inc. and Natera, Inc.); PubMed 37875772 (cited by Natera, Inc.); PubMed 31328266 (cited by Labcorp Genetics (formerly Invitae), Labcorp).